The following is an entry in ClinVar:

ClinVar aggregate classification (germline): Pathogenic (1 of 4 stars; one submission).

Conditions:
Short-rib thoracic dysplasia 14 with polydactyly (SRTD14). Identifiers: Orphanet 397715, MedGen C4225286, MONDO:0014688, OMIM 616546.
Joubert syndrome 23 (JBTS23). Identifiers: Orphanet 475, MedGen C4084822, MONDO:0014664, OMIM 616490.

Submission:

Labcorp Genetics (formerly Invitae), Labcorp
Classification: Pathogenic for Joubert syndrome 23; Short-rib thoracic dysplasia 14 with polydactyly. Last evaluated: 2023-05-18. Review status: criteria provided, single submitter. Criteria: Invitae Variant Classification Sherloc (09022015). Collection method: clinical testing. Allele origin: germline.
Comment: For these reasons, this variant has been classified as Pathogenic. ClinVar contains an entry for this variant (Variation ID: 2004923). This variant has not been reported in the literature in individuals affected with KIAA0586-related conditions. This variant is not present in population databases (gnomAD no frequency). This sequence change creates a premature translational stop signal (p.Lys1124*) in the KIAA0586 gene. It is expected to result in an absent or disrupted protein product. Loss-of-function variants in KIAA0586 are known to be pathogenic (PMID: 26096313, 26166481, 26386044).

Literature cited by the submitters: PubMed 26096313; PubMed 26166481; PubMed 26386044.

NM_001329943.3(KIAA0586):c.3211A>T (p.Lys1071Ter)

Gene: KIAA0586 (KIAA0586; plus strand). Cytogenetic location: 14q23.1.
Variant type: single nucleotide variant.
Coding change: c.3211A>T on transcript NM_001329943.3 (MANE Select); coding-DNA position 3211, A replaced by T.
Protein change: p.Lys1071Ter; replaces lysine 1071 with a stop codon.
Molecular consequence: nonsense.
Genome position (GRCh38, 1-based): chr14:58,487,073, A>T. VCF-style: chr14-58487073-A-T. GRCh37 (hg19) VCF-style: chr14-58953791-A-T.
Other names: c.3370A>T, p.Lys1124Ter (NM_001244189.2); c.3166A>T, p.Lys1056Ter (NM_001244190.2); c.2956A>T, p.Lys986Ter (NM_001244191.2, NM_001329945.2, NM_001364700.1 and 1 more transcripts); c.3079A>T, p.Lys1027Ter (NM_001244192.2); c.2791A>T, p.Lys931Ter (NM_001244193.2); c.3211A>T, p.Lys1071Ter (NM_001329944.2, NM_001329946.2, NM_001329947.2); c.2983A>T, p.Lys995Ter (NM_014749.5); short protein forms K1056*, K995*, K1071*, K1124*, K1027*, K986*, K931*.
Identifiers: ClinVar variation 2004923 (VCV002004923.4), dbSNP rs1272638490, ClinGen allele CA389880837.
Genomic context (GRCh38, chr14:58,487,073, plus strand): 5'-GTGTGCACCCCACTGCCTACCCCACAGCCTACGCCTCCTTGCTCACCTTCATCACCTGCT[A>T]AGGAGTGTGTTTTGGTAAAGACTCCAGATTCTTCTCCCTGTGATTCGGATCATGATATGG-3'